The following is an entry in ClinVar:

NM_002272.4(KRT4):c.224G>A (p.Gly75Glu)

Gene: KRT4 (keratin 4; minus strand). Cytogenetic location: 12q13.13.
Variant type: single nucleotide variant.
Coding change: c.224G>A on transcript NM_002272.4 (MANE Select); coding-DNA position 224, G replaced by A.
Protein change: p.Gly75Glu; replaces glycine 75 with glutamic acid.
Molecular consequence: missense variant.
Genome position (GRCh38, 1-based): chr12:52,813,835, C>T on the plus strand (G>A on the coding strand, the complement: KRT4 is on the minus strand). VCF-style: chr12-52813835-C-T. GRCh37 (hg19) VCF-style: chr12-53207619-C-T.
Other names: short protein forms G75E.
Identifiers: ClinVar variation 309708 (VCV000309708.6), dbSNP rs200665579, ClinGen allele CA6588812.

ClinVar aggregate classification (germline): Benign/Likely benign. Review status: criteria provided, multiple submitters, no conflicts (2 of 4 stars). 2 submissions from 2 submitters: Benign (1); Likely benign (1). Last evaluated 2024-11-26.

Conditions:
White sponge nevus 1. Also called: LEUKOKERATOSIS, HEREDITARY MUCOSAL. Identifiers: MedGen C4011926, MONDO:0008676, OMIM 193900.

Allele frequency attached by ClinVar (database versions not stated): ExAC 0.00017; gnomAD 0.00040 and 0.00041; 1000 Genomes Project 0.00060; TOPMed 0.00060; 1000 Genomes Project 30x 0.00078; ESP Exome Variant Server 0.00079.
gnomAD v4.1: 174 of 1,614,102 alleles (0.011%); highest among the groups gnomAD compares: African/African-American, 0.15%; no homozygotes.

Submissions (2):

Blueprint Genetics
Classification: Likely benign. Last evaluated: 2024-11-26. Review status: criteria provided, single submitter. Criteria: ACMG Guidelines, 2015. Collection method: clinical testing. Allele origin: germline.

Illumina Laboratory Services, Illumina
Classification: Benign for White sponge nevus 1. Last evaluated: 2018-01-12. Review status: criteria provided, single submitter. Criteria: ICSL Variant Classification Criteria 13 December 2019. Collection method: clinical testing. Allele origin: germline.
Comment: This variant was observed in the ICSL laboratory as part of a predisposition screen in an ostensibly healthy population. It had not been previously curated by ICSL or reported in the Human Gene Mutation Database (HGMD: prior to June 1st, 2018), and was therefore a candidate for classification through an automated scoring system. Utilizing variant allele frequency, disease prevalence and penetrance estimates, and inheritance mode, an automated score was calculated to assess if this variant is too frequent to cause the disease. Based on the score and internal cut-off values, a variant classified as benign is not then subjected to further curation. The score for this variant resulted in a classification of benign for this disease.